The following is an entry in ClinVar:

NM_005751.5(AKAP9):c.146T>A (p.Val49Glu)

Gene: AKAP9 (A-kinase anchoring protein 9; plus strand). Cytogenetic location: 7q21.2.
Variant type: single nucleotide variant.
Coding change: c.146T>A on transcript NM_005751.5 (MANE Select); coding-DNA position 146, T replaced by A.
Protein change: p.Val49Glu; replaces valine 49 with glutamic acid.
Molecular consequence: missense variant.
Genome position (GRCh38, 1-based): chr7:91,973,808, T>A. VCF-style: chr7-91973808-T-A. GRCh37 (hg19) VCF-style: chr7-91603122-T-A.
Other names: c.146T>A, p.Val49Glu (NM_147185.3); short protein forms V49E.
Identifiers: ClinVar variation 1773335 (VCV001773335.2), dbSNP rs749473172, ClinGen allele CA4335737.

ClinVar aggregate classification (germline): Uncertain significance (1 of 4 stars; one submission).

Conditions:
Cardiovascular phenotype. Identifiers: MedGen CN230736.

Allele frequency attached by ClinVar (database versions not stated): gnomAD exomes below 0.00001; ExAC 0.00001.
gnomAD v4.1: 8 of 1,614,128 alleles (0.0005%); highest among the groups gnomAD compares: Middle Eastern, 0.016%; no homozygotes.

Submission:

Ambry Genetics
Classification: Uncertain significance for Cardiovascular phenotype. Last evaluated: 2020-11-30. Review status: criteria provided, single submitter. Criteria: Ambry Variant Classification Scheme 2023. Collection method: clinical testing. Allele origin: germline.
Comment: The p.V49E variant (also known as c.146T>A), located in coding exon 2 of the AKAP9 gene, results from a T to A substitution at nucleotide position 146. The valine at codon 49 is replaced by glutamic acid, an amino acid with dissimilar properties. This amino acid position is not well conserved in available vertebrate species, and glutamic acid is the reference amino acid in other vertebrate species. In addition, this alteration is predicted to be tolerated by in silico analysis. Since supporting evidence is limited at this time, the clinical significance of this alteration remains unclear.